The following is an entry in ClinVar:

NM_001244008.2(KIF1A):c.14C>T (p.Ser5Leu)

Gene: KIF1A (kinesin family member 1A; minus strand). Cytogenetic location: 2q37.3.
Variant type: single nucleotide variant.
Coding change: c.14C>T on transcript NM_001244008.2 (MANE Select); coding-DNA position 14, C replaced by T.
Protein change: p.Ser5Leu; replaces serine 5 with leucine.
Molecular consequence: missense variant.
Genome position (GRCh38, 1-based): chr2:240,797,739, G>A on the plus strand (C>T on the coding strand, the complement: KIF1A is on the minus strand). VCF-style: chr2-240797739-G-A. GRCh37 (hg19) VCF-style: chr2-241737156-G-A.
Other names: c.14C>T, p.Ser5Leu (NM_001320705.2, NM_001330289.2, NM_001330290.2 and 21 more transcripts); short protein forms S5L.
Identifiers: ClinVar variation 2926086 (VCV002926086.3), dbSNP rs1194444299, ClinGen allele CA351316112.

ClinVar aggregate classification (germline): Uncertain significance (1 of 4 stars; one submission).

Conditions:
Neuropathy, hereditary sensory, type 2C. Also called: Hereditary sensory and autonomic neuropathy type IIC; KIF1A-Related HSAN2 (HSAN2C). Identifiers: Orphanet 970, MedGen C3280168, MONDO:0013634, OMIM 614213.
Hereditary spastic paraplegia 30. Identifiers: Orphanet 101010, MedGen C5235139, MONDO:0012476.
Intellectual disability, autosomal dominant 9 (NESCAVS). Also called: NESCAV SYNDROME; KIF1A-Related Neurodevelopmental Disorder. Identifiers: Orphanet 662367, MedGen C5393830, MONDO:0013656, OMIM 614255.

Allele frequency attached by ClinVar (database versions not stated): TOPMed below 0.00001; gnomAD 0.00001; gnomAD exomes 0.00001.
gnomAD v4.1: 8 of 1,609,754 alleles (0.0005%); highest among the groups gnomAD compares: East Asian, 0.0022%; no homozygotes.

Submission:

Labcorp Genetics (formerly Invitae), Labcorp
Classification: Uncertain significance for Hereditary spastic paraplegia 30; Neuropathy, hereditary sensory, type 2C; Intellectual disability, autosomal dominant 9. Last evaluated: 2025-04-18. Review status: criteria provided, single submitter. Criteria: Invitae Variant Classification Sherloc (09022015). Collection method: clinical testing. Allele origin: germline.
Comment: This sequence change replaces serine, which is neutral and polar, with leucine, which is neutral and non-polar, at codon 5 of the KIF1A protein (p.Ser5Leu). The frequency data for this variant in the population databases is considered unreliable, as metrics indicate poor data quality at this position in the gnomAD database. This variant has not been reported in the literature in individuals affected with KIF1A-related conditions. ClinVar contains an entry for this variant (Variation ID: 2926086). Invitae Evidence Modeling of protein sequence and biophysical properties (such as structural, functional, and spatial information, amino acid conservation, physicochemical variation, residue mobility, and thermodynamic stability) indicates that this missense variant is expected to disrupt KIF1A protein function with a positive predictive value of 95%. In summary, the available evidence is currently insufficient to determine the role of this variant in disease. Therefore, it has been classified as a Variant of Uncertain Significance.